The following is an entry in ClinVar:

NM_000222.3(KIT):c.2254G>A (p.Val752Met)

Gene: KIT (KIT proto-oncogene, receptor tyrosine kinase; plus strand). Cytogenetic location: 4q12.
Variant type: single nucleotide variant.
Coding change: c.2254G>A on transcript NM_000222.3 (MANE Select); coding-DNA position 2254, G replaced by A.
Protein change: p.Val752Met; replaces valine 752 with methionine.
Molecular consequence: missense variant.
Genome position (GRCh38, 1-based): chr4:54,731,891, G>A. VCF-style: chr4-54731891-G-A. GRCh37 (hg19) VCF-style: chr4-55598057-G-A.
Other names: c.2242G>A, p.Val748Met (NM_001093772.2, NM_001385292.1); c.2257G>A, p.Val753Met (NM_001385284.1); c.2251G>A, p.Val751Met (NM_001385285.1); c.2239G>A, p.Val747Met (NM_001385286.1); c.2245G>A, p.Val749Met (NM_001385288.1); c.2254G>A, p.Val752Met (NM_001385290.1); short protein forms V748M, V747M, V751M, V752M, V753M, V749M.
Identifiers: ClinVar variation 2869222 (VCV002869222.3), dbSNP rs2109795035, ClinGen allele CA356910858.

ClinVar aggregate classification (germline): Uncertain significance (1 of 4 stars; one submission).

Conditions:
Gastrointestinal stromal tumor. Also called: Gastrointestinal stromal tumor, somatic; Gastrointestinal stroma tumor. Identifiers: Orphanet 44890, MedGen C0238198, MeSH D046152, MONDO:0011719, OMIM 606764, HP:0100723.

Submission:

Labcorp Genetics (formerly Invitae), Labcorp
Classification: Uncertain significance for Gastrointestinal stromal tumor. Last evaluated: 2023-12-27. Review status: criteria provided, single submitter. Criteria: Invitae Variant Classification Sherloc (09022015). Collection method: clinical testing. Allele origin: germline.
Comment: This sequence change replaces valine, which is neutral and non-polar, with methionine, which is neutral and non-polar, at codon 752 of the KIT protein (p.Val752Met). This variant is not present in population databases (gnomAD no frequency). This variant has not been reported in the literature in individuals affected with KIT-related conditions. An algorithm developed to predict the effect of missense changes on protein structure and function (PolyPhen-2) suggests that this variant is likely to be tolerated. In summary, the available evidence is currently insufficient to determine the role of this variant in disease. Therefore, it has been classified as a Variant of Uncertain Significance.